The following is an entry in ClinVar:

NM_000051.4(ATM):c.38G>T (p.Arg13Leu)

Gene: ATM (ATM serine/threonine kinase; plus strand). Cytogenetic location: 11q22.3.
Variant type: single nucleotide variant.
Coding change: c.38G>T on transcript NM_000051.4 (MANE Select); coding-DNA position 38, G replaced by T.
Protein change: p.Arg13Leu; replaces arginine 13 with leucine.
Molecular consequence: missense variant.
Genome position (GRCh38, 1-based): chr11:108,227,662, G>T. VCF-style: chr11-108227662-G-T. GRCh37 (hg19) VCF-style: chr11-108098389-G-T.
Other names: c.38G>T, p.Arg13Leu (NM_001351834.2, NM_001351835.2, NM_001351836.2); short protein forms R13L.
Identifiers: ClinVar variation 479047 (VCV000479047.8), dbSNP rs778201041, ClinGen allele CA382519104.

ClinVar aggregate classification (germline): Uncertain significance. Review status: criteria provided, multiple submitters, no conflicts (2 of 4 stars). 2 submissions from 2 submitters: Uncertain significance (2). Last evaluated 2023-11-10.

Conditions:
Hereditary cancer-predisposing syndrome. Also called: Tumor predisposition; Neoplastic Syndromes, Hereditary; Hereditary Cancer Syndrome; Hereditary neoplastic syndrome. Identifiers: Orphanet 140162, MedGen C0027672, MeSH D009386, MONDO:0015356.
Ataxia-telangiectasia syndrome (AT). Also called: Cerebello-oculocutaneous telangiectasia; Immunodeficiency with ataxia telangiectasia; ATAXIA-TELANGIECTASIA, COMPLEMENTATION GROUP A; Ataxia-telangiectasia, complementation group D; AT, COMPLEMENTATION GROUP C; ATAXIA-TELANGIECTASIA, FRESNO VARIANT. Identifiers: Orphanet 100, MedGen C0004135, MONDO:0008840, OMIM 208900.

Submissions (2):

Labcorp Genetics (formerly Invitae), Labcorp
Classification: Uncertain significance for Ataxia-telangiectasia syndrome. Last evaluated: 2023-11-10. Review status: criteria provided, single submitter. Criteria: Invitae Variant Classification Sherloc (09022015). Collection method: clinical testing. Allele origin: germline.
Comment: This sequence change replaces arginine, which is basic and polar, with leucine, which is neutral and non-polar, at codon 13 of the ATM protein (p.Arg13Leu). This variant is not present in population databases (gnomAD no frequency). This variant has not been reported in the literature in individuals affected with ATM-related conditions. ClinVar contains an entry for this variant (Variation ID: 479047). Advanced modeling of protein sequence and biophysical properties (such as structural, functional, and spatial information, amino acid conservation, physicochemical variation, residue mobility, and thermodynamic stability) performed at Invitae indicates that this missense variant is not expected to disrupt ATM protein function with a negative predictive value of 95%. In summary, the available evidence is currently insufficient to determine the role of this variant in disease. Therefore, it has been classified as a Variant of Uncertain Significance.

Ambry Genetics
Classification: Uncertain significance for Hereditary cancer-predisposing syndrome. Last evaluated: 2016-11-21. Review status: criteria provided, single submitter. Criteria: Ambry Variant Classification Scheme 2023. Collection method: clinical testing. Allele origin: germline.
Comment: The p.R13L variant (also known as c.38G>T), located in coding exon 1 of the ATM gene, results from a G to T substitution at nucleotide position 38. The arginine at codon 13 is replaced by leucine, an amino acid with dissimilar properties. This variant was not reported in population based cohorts in the following databases: Database of Single Nucleotide Polymorphisms (dbSNP), NHLBI Exome Sequencing Project (ESP), and 1000 Genomes Project. In the ESP, this variant was not observed in 6497 samples (12994 alleles) with coverage at this position. To date, this alteration has been detected with an allele frequency of approximately 0.0005% (greater than 180000 alleles tested) in our clinical cohort. This amino acid position is well conserved in available vertebrate species. In addition, this alteration is predicted to be possibly damaging and tolerated by PolyPhen and SIFT in silico analyses, respectively. Since supporting evidence is limited at this time, the clinical significance of this alteration remains unclear.